The following is an entry in ClinVar:

NM_001323289.2(CDKL5):c.934A>G (p.Lys312Glu)

Gene: CDKL5 (cyclin dependent kinase like 5; plus strand). Cytogenetic location: Xp22.13.
Variant type: single nucleotide variant.
Coding change: c.934A>G on transcript NM_001323289.2 (MANE Select); coding-DNA position 934, A replaced by G.
Protein change: p.Lys312Glu; replaces lysine 312 with glutamic acid.
Molecular consequence: missense variant.
Genome position (GRCh38, 1-based): chrX:18,598,570, A>G. VCF-style: chrX-18598570-A-G. GRCh37 (hg19) VCF-style: chrX-18616690-A-G.
Other names: c.934A>G, p.Lys312Glu (NM_001037343.2, NM_003159.3); short protein forms K312E.
Identifiers: ClinVar variation 565624 (VCV000565624.9), dbSNP rs1569218064, ClinGen allele CA412356263.
Genomic context (GRCh38, chrX:18,598,570, plus strand): 5'-TTGAATCACCCTACATTTCAAACCCAGAGACTTCTGGATCGTTCTCCTTCAAGGTCAGCA[A>G]AAAGAAAACCTTACCATGTGGAAAGCAGCACATTGTCTAATAGGTAAATATTCCCTTTTA-3'
Protein context (NP_001310218.1, residues 302-322): LLDRSPSRSA[Lys312Glu]RKPYHVESST

ClinVar aggregate classification (germline): Uncertain significance (1 of 4 stars; one submission).

Conditions:
Developmental and epileptic encephalopathy, 2 (DEE2). Also called: INFANTILE SPASM SYNDROME, X-LINKED 2; CDKL5 deficiency disorder. Identifiers: Orphanet 1934, Orphanet 3451, Orphanet 505652, MedGen C4750718, MONDO:0010396, OMIM 300672.
Angelman syndrome-like. Identifiers: MedGen CN128785.

Submission:

Labcorp Genetics (formerly Invitae), Labcorp
Classification: Uncertain significance for Developmental and epileptic encephalopathy, 2; Angelman syndrome-like. Last evaluated: 2018-05-17. Review status: criteria provided, single submitter. Criteria: Invitae Variant Classification Sherloc (09022015). Collection method: clinical testing. Allele origin: germline.
Comment: In summary, the available evidence is currently insufficient to determine the role of this variant in disease. Therefore, it has been classified as a Variant of Uncertain Significance. Algorithms developed to predict the effect of missense changes on protein structure and function are either unavailable or do not agree on the potential impact of this missense change (SIFT: "Deleterious"; PolyPhen-2: "Benign"; Align-GVGD: "Class C0"). This variant has not been reported in the literature in individuals with CDKL5-related disease. This variant is not present in population databases (ExAC no frequency). This sequence change replaces lysine with glutamic acid at codon 312 of the CDKL5 protein (p.Lys312Glu). The lysine residue is highly conserved and there is a small physicochemical difference between lysine and glutamic acid.